The following is an entry in ClinVar:

NM_001330078.2(NRXN1):c.4352C>T (p.Ala1451Val)

Gene: NRXN1 (neurexin 1; minus strand). Cytogenetic location: 2p16.3.
Variant type: single nucleotide variant.
Coding change: c.4352C>T on transcript NM_001330078.2 (MANE Select); coding-DNA position 4352, C replaced by T.
Protein change: p.Ala1451Val; replaces alanine 1451 with valine.
Molecular consequence: missense variant.
Genome position (GRCh38, 1-based): chr2:49,922,116, G>A on the plus strand (C>T on the coding strand, the complement: NRXN1 is on the minus strand). VCF-style: chr2-49922116-G-A. GRCh37 (hg19) VCF-style: chr2-50149254-G-A.
Other names: c.4472C>T, p.Ala1491Val (NM_001135659.3); c.257C>T, p.Ala86Val (NM_001320156.4); c.248C>T, p.Ala83Val (NM_001320157.4); c.4328C>T, p.Ala1443Val (NM_001330077.2); c.4319C>T, p.Ala1440Val (NM_001330082.2); c.4187C>T, p.Ala1396Val (NM_001330083.2); c.4286C>T, p.Ala1429Val (NM_001330084.2); c.4325C>T, p.Ala1442Val (NM_001330085.2); and 12 more; short protein forms A1491V, A1396V, A1442V, A1443V, A83V, A1384V, A1440V, A1381V.
Identifiers: ClinVar variation 411160 (VCV000411160.8), dbSNP rs1060503175, ClinGen allele CA16611090.

ClinVar aggregate classification (germline): Uncertain significance (1 of 4 stars; one submission).

Conditions:
Pitt-Hopkins-like syndrome 2 (PTHSL2). Identifiers: Orphanet 221150, Orphanet 600663, MedGen C3280479, MONDO:0013690, OMIM 614325.

Submission:

Labcorp Genetics (formerly Invitae), Labcorp
Classification: Uncertain significance for Pitt-Hopkins-like syndrome 2. Last evaluated: 2016-11-10. Review status: criteria provided, single submitter. Criteria: Invitae Variant Classification Sherloc (09022015). Collection method: clinical testing. Allele origin: germline.
Comment: In summary, this variant is a novel missense change with uncertain impact on protein function. It has been classified as a Variant of Uncertain Significance. Algorithms developed to predict the effect of missense changes on protein structure and function do not agree on the potential impact of this missense change (SIFT: "Tolerated"; PolyPhen-2: "Possibly Damaging"; Align-GVGD: "Class C0"). This variant is not present in population databases (ExAC no frequency) and has not been reported in the literature in individuals with a NRXN1-related disease. This sequence change replaces alanine with valine at codon 1491 of the NRXN1 protein (p.Ala1491Val). The alanine residue is highly conserved and there is a small physicochemical difference between alanine and valine.